The following is an entry in ClinVar:

ClinVar aggregate classification (germline): Benign. Review status: criteria provided, multiple submitters, no conflicts (2 of 4 stars). 12 submissions from 12 submitters: Benign (11). 1 of the submissions does not count toward it. Last evaluated 2026-02-04.

Conditions:
Primary ciliary dyskinesia. Also called: Ciliary dyskinesia. Identifiers: Orphanet 244, MedGen C0008780, MONDO:0016575, HP:0012265.
Primary ciliary dyskinesia 3. Identifiers: Orphanet 244, MedGen C1837618, MONDO:0012085, OMIM 608644.

Allele frequency attached by ClinVar (database versions not stated): 1000 Genomes Project 30x 0.34650; TOPMed 0.37545; gnomAD 0.39500 and 0.39575; ESP Exome Variant Server 0.39928; gnomAD exomes 0.40193 and 0.43354; ExAC 0.40820.
gnomAD v4.1: 692,671 of 1,613,476 alleles (43%); highest among the groups gnomAD compares: South Asian, 47%; 151,301 homozygotes.

Submissions (12):

Labcorp Genetics (formerly Invitae), Labcorp
Classification: Benign for Primary ciliary dyskinesia. Last evaluated: 2026-02-04. Review status: criteria provided, single submitter. Criteria: Invitae Variant Classification Sherloc (09022015). Collection method: clinical testing. Allele origin: germline.

Blueprint Genetics
Classification: Benign. Last evaluated: 2024-11-26. Review status: criteria provided, single submitter. Criteria: ACMG Guidelines, 2015. Collection method: clinical testing. Allele origin: germline.

Mayo Clinic Laboratories, Mayo Clinic
Classification: Benign. Last evaluated: 2022-04-26. Review status: criteria provided, single submitter. Criteria: ACMG Guidelines, 2015. Collection method: clinical testing. Allele origin: germline. Observed: 138 variant alleles.

Genome-Nilou Lab
Classification: Benign for Primary ciliary dyskinesia 3. Last evaluated: 2021-07-30. Review status: criteria provided, single submitter. Criteria: ACMG Guidelines, 2015. Collection method: clinical testing. Allele origin: germline. Affected: no.

Pars Genome Lab
Classification: Benign for Primary ciliary dyskinesia 3. Last evaluated: 2021-06-15. Review status: criteria provided, single submitter. Criteria: ACMG Guidelines, 2015. Collection method: clinical testing. Allele origin: germline. Affected: no.

GeneDx
Classification: Benign. Last evaluated: 2018-11-10. Review status: criteria provided, single submitter. Criteria: GeneDx Variant Classification Process June 2021. Collection method: clinical testing. Allele origin: germline. Affected: yes.

Illumina Laboratory Services, Illumina
Classification: Benign for Primary ciliary dyskinesia 3. Last evaluated: 2018-01-13. Review status: criteria provided, single submitter. Criteria: ICSL Variant Classification Criteria 13 December 2019. Collection method: clinical testing. Allele origin: germline.
Comment: This variant was observed in the ICSL laboratory as part of a predisposition screen in an ostensibly healthy population. It had not been previously curated by ICSL or reported in the Human Gene Mutation Database (HGMD: prior to June 1st, 2018), and was therefore a candidate for classification through an automated scoring system. Utilizing variant allele frequency, disease prevalence and penetrance estimates, and inheritance mode, an automated score was calculated to assess if this variant is too frequent to cause the disease. Based on the score and internal cut-off values, a variant classified as benign is not then subjected to further curation. The score for this variant resulted in a classification of benign for this disease.

Ambry Genetics
Classification: Benign for Primary ciliary dyskinesia. Last evaluated: 2014-11-26. Review status: criteria provided, single submitter. Criteria: Ambry Variant Classification Scheme 2023. Collection method: clinical testing. Allele origin: germline.

Laboratory for Molecular Medicine, Mass General Brigham Personalized Medicine
Classification: Benign. Last evaluated: 2013-02-21. Review status: criteria provided, single submitter. Criteria: LMM Criteria. Collection method: clinical testing. Allele origin: germline. Observed: 65 variant alleles.
Comment: Arg1458Arg in exon 28 of DNAH5: This variant is not expected to have clinical si gnificance because it does not alter an amino acid residue and is not located wi thin the splice consensus sequence. It has been identified in 44.3% (3807/8600) of European American chromosomes from a broad population by the NHLBI Exome Sequ encing Project (dbSNP rs6554827).

Breakthrough Genomics
Classification: Benign. Review status: criteria provided, single submitter. Criteria: ACMG Guidelines, 2015. Collection method: not provided. Allele origin: germline. Inheritance: Autosomal recessive inheritance. Affected: yes.

PreventionGenetics, part of Exact Sciences
Classification: Benign. Review status: criteria provided, single submitter. Criteria: ACMG Guidelines, 2015. Collection method: clinical testing. Allele origin: germline.

Natera, Inc.
Classification: Benign for Primary ciliary dyskinesia. Last evaluated: 2020-09-16. Review status: no assertion criteria provided. Collection method: clinical testing. Allele origin: germline. Not counted in ClinVar's aggregate classification.

NM_001369.3(DNAH5):c.4374G>T (p.Arg1458=)

Genes: DNAH5 (dynein axonemal heavy chain 5; minus strand), DNAH5-AS1 (DNAH5 antisense RNA 1; plus strand). Cytogenetic location: 5p15.2.
Variant type: single nucleotide variant.
Coding change: c.4374G>T on transcript NM_001369.3 (MANE Select); coding-DNA position 4374, G replaced by T.
Protein change: p.Arg1458=; no amino-acid change (arginine 1458 retained).
Molecular consequence: synonymous variant.
Genome position (GRCh38, 1-based): chr5:13,864,619, C>A on the plus strand (G>T on the coding strand, the complement: DNAH5 is on the minus strand). VCF-style: chr5-13864619-C-A. GRCh37 (hg19) VCF-style: chr5-13864728-C-A.
Other names: p.Arg1458=.
Identifiers: ClinVar variation 178750 (VCV000178750.31), dbSNP rs6554827, ClinGen allele CA182935.